The following is an entry in ClinVar:

ClinVar aggregate classification (germline): Uncertain significance. Review status: criteria provided, multiple submitters, no conflicts (2 of 4 stars). 4 submissions from 4 submitters: Uncertain significance (2). 2 of the submissions do not count toward it. Last evaluated 2025-12-27.

Conditions:
Pulmonary fibrosis and/or bone marrow failure, Telomere-related, 3. Also called: PULMONARY FIBROSIS AND/OR BONE MARROW FAILURE SYNDROME, TELOMERE-RELATED, 3. Identifiers: Orphanet 2032, MedGen C4225346, MONDO:0014613, OMIM 616373.
Dyskeratosis congenita, autosomal recessive 5 (DKCB5). Identifiers: MedGen C3554656, MONDO:0014076, OMIM 615190.
Dyskeratosis congenita. Identifiers: Orphanet 1775, MedGen C0265965, MONDO:0015780.

Allele frequency attached by ClinVar (database versions not stated): TOPMed below 0.00001; gnomAD 0.00001; gnomAD exomes 0.00002; ExAC 0.00004.

Submissions (4):

Labcorp Genetics (formerly Invitae), Labcorp
Classification: Uncertain significance for Dyskeratosis congenita, autosomal recessive 5; Pulmonary fibrosis and/or bone marrow failure, Telomere-related, 3. Last evaluated: 2025-12-27. Review status: criteria provided, single submitter. Criteria: Invitae Variant Classification Sherloc (09022015). Collection method: clinical testing. Allele origin: germline.
Comment: This sequence change replaces glycine, which is neutral and non-polar, with serine, which is neutral and polar, at codon 461 of the RTEL1 protein (p.Gly461Ser). The frequency data for this variant in the population databases is considered unreliable, as metrics indicate poor data quality at this position in the gnomAD database. This variant has not been reported in the literature in individuals affected with RTEL1-related conditions. ClinVar contains an entry for this variant (Variation ID: 1015776). An algorithm developed to predict the effect of missense changes on protein structure and function outputs the following: PolyPhen-2: "Possibly Damaging". The serine amino acid residue is found in multiple mammalian species, which suggests that this missense change does not adversely affect protein function. In summary, the available evidence is currently insufficient to determine the role of this variant in disease. Therefore, it has been classified as a Variant of Uncertain Significance.

Mayo Clinic Laboratories, Mayo Clinic
Classification: Uncertain significance. Last evaluated: 2021-10-04. Review status: criteria provided, single submitter. Criteria: ACMG Guidelines, 2015. Collection method: clinical testing. Allele origin: germline.

Genetic Services Laboratory, University of Chicago
Classification: Uncertain significance. Last evaluated: 2022-09-06. Review status: no assertion criteria provided. Collection method: clinical testing. Allele origin: germline. Affected: no. Not counted in ClinVar's aggregate classification.
Comment: DNA sequence analysis of the RTEL1 gene demonstrated a sequence change, c.1453G>A, in exon 17 that results in an amino acid change, p.Gly485Ser (NM_032957.5). This sequence change does not appear to have been previously described in individuals with RTEL1-related disorders. This sequence change has been described in the gnomAD database with a frequency of ~0.01% in the South-Asian subpopulation (dbSNP rs764665173). The p.Gly485Ser change affects a moderately conserved amino acid residue located in a domain of the RTEL1 protein that is known to be functional. In-silico pathogenicity prediction tools (SIFT, Align GVGD, REVEL) provide contradictory results for the p.Gly485Ser substitution. Due to insufficient evidences and the lack of functional studies, the clinical significance of the p.Gly485Ser change remains unknown at this time.

Natera, Inc.
Classification: Uncertain significance for Dyskeratosis congenita. Last evaluated: 2021-03-23. Review status: no assertion criteria provided. Collection method: clinical testing. Allele origin: germline. Not counted in ClinVar's aggregate classification.

NM_001283009.2(RTEL1):c.1381G>A (p.Gly461Ser)

Genes: RTEL1-TNFRSF6B (RTEL1-TNFRSF6B readthrough (NMD candidate); plus strand), RTEL1 (regulator of telomere elongation helicase 1; plus strand). Cytogenetic location: 20q13.33.
Variant type: single nucleotide variant.
Coding change: c.1381G>A on transcript NM_001283009.2 (MANE Select); coding-DNA position 1381, G replaced by A.
Protein change: p.Gly461Ser; replaces glycine 461 with serine.
Molecular consequence: missense variant. On other transcripts: non-coding transcript variant (1).
Genome position (GRCh38, 1-based): chr20:63,687,670, G>A. VCF-style: chr20-63687670-G-A. GRCh37 (hg19) VCF-style: chr20-62319023-G-A.
Other names: p.Gly485Ser; c.1453G>A (NM_032957.4); c.712G>A, p.Gly238Ser (NM_001283010.1); c.1381G>A, p.Gly461Ser (NM_016434.4); c.1453G>A, p.Gly485Ser (NM_032957.5); short protein forms G238S, G461S, G485S.
Identifiers: ClinVar variation 1015776 (VCV001015776.10), dbSNP rs764665173, ClinGen allele CA9964781.
Genomic context (GRCh38, chr20:63,687,670, plus strand): 5'-GTGCCCTCTGCCGCCCCCCGCCCCACAGGGAAGGTGCTGAGCTACTGGTGCTTCAGTCCC[G>A]GCCACAGCATGCACGAGCTGGTCCGCCAGGGCGTCCGCTCCCTCATCCTTACCAGCGGCA-3'
Protein context (NP_001269938.1, residues 451-471): KVLSYWCFSP[Gly461Ser]HSMHELVRQG